The following is an entry in ClinVar:

ClinVar aggregate classification (germline): Uncertain significance (1 of 4 stars; one submission).

Conditions:
Cardiovascular phenotype. Identifiers: MedGen CN230736.

Allele frequency attached by ClinVar (database versions not stated): gnomAD exomes below 0.00001.
gnomAD v4.1: 1 of 1,534,226 alleles (0.000065%); highest among the groups gnomAD compares: South Asian, 0.0012%; no homozygotes.

Submission:

Ambry Genetics
Classification: Uncertain significance for Cardiovascular phenotype. Last evaluated: 2023-11-23. Review status: criteria provided, single submitter. Criteria: Ambry Variant Classification Scheme 2023. Collection method: clinical testing. Allele origin: germline.
Comment: The p.D70N variant (also known as c.208G>A), located in coding exon 1 of the ZNF469 gene, results from a G to A substitution at nucleotide position 208. The aspartic acid at codon 70 is replaced by asparagine, an amino acid with highly similar properties. This amino acid position is conserved. In addition, this alteration is predicted to be tolerated by in silico analysis. Since supporting evidence is limited at this time, the clinical significance of this alteration remains unclear.

NM_001367624.2(ZNF469):c.208G>A (p.Asp70Asn)

Gene: ZNF469 (zinc finger protein 469; plus strand). Cytogenetic location: 16q24.2.
Variant type: single nucleotide variant.
Coding change: c.208G>A on transcript NM_001367624.2 (MANE Select); coding-DNA position 208, G replaced by A.
Protein change: p.Asp70Asn; replaces aspartic acid 70 with asparagine.
Molecular consequence: missense variant.
Genome position (GRCh38, 1-based): chr16:88,427,678, G>A. VCF-style: chr16-88427678-G-A. GRCh37 (hg19) VCF-style: chr16-88494086-G-A.
Other names: NM_001127464.1:c.208G>A; short protein forms D70N.
Identifiers: ClinVar variation 3232767 (VCV003232767.1), dbSNP rs2507570516, ClinGen allele CA397058659.